The following is an entry in ClinVar:

ClinVar aggregate classification (germline): Uncertain significance (1 of 4 stars; one submission).

Conditions:
Cardiovascular phenotype. Identifiers: MedGen CN230736.

Submission:

Ambry Genetics
Classification: Uncertain significance for Cardiovascular phenotype. Last evaluated: 2022-12-06. Review status: criteria provided, single submitter. Criteria: Ambry Variant Classification Scheme 2023. Collection method: clinical testing. Allele origin: germline.
Comment: The p.G135V variant (also known as c.404G>T), located in coding exon 2 of the LMF1 gene, results from a G to T substitution at nucleotide position 404. The glycine at codon 135 is replaced by valine, an amino acid with dissimilar properties. This amino acid position is conserved. In addition, this alteration is predicted to be tolerated by in silico analysis. Since supporting evidence is limited at this time, the clinical significance of this alteration remains unclear.

NM_022773.4(LMF1):c.404G>T (p.Gly135Val)

Gene: LMF1 (lipase maturation factor 1; minus strand). Cytogenetic location: 16p13.3.
Variant type: single nucleotide variant.
Coding change: c.404G>T on transcript NM_022773.4 (MANE Select); coding-DNA position 404, G replaced by T.
Protein change: p.Gly135Val; replaces glycine 135 with valine.
Molecular consequence: missense variant. On other transcripts: 5 prime UTR variant (3), non-coding transcript variant (1).
Genome position (GRCh38, 1-based): chr16:954,456, C>A on the plus strand (G>T on the coding strand, the complement: LMF1 is on the minus strand). VCF-style: chr16-954456-C-A. GRCh37 (hg19) VCF-style: chr16-1004456-C-A.
Other names: c.-400G>T (NM_001352017.2); c.-151G>T (NM_001352018.2); c.77G>T, p.Gly26Val (NM_001352019.2); c.404G>T, p.Gly135Val (NM_001352020.1); c.-302G>T (NM_001352021.2); short protein forms G26V, G135V.
Identifiers: ClinVar variation 2451793 (VCV002451793.2), dbSNP rs2548398576, ClinGen allele CA394104415.